The following is an entry in ClinVar:

ClinVar aggregate classification (germline): Uncertain significance (1 of 4 stars; one submission).

gnomAD v4.1: 1 of 1,614,232 alleles (0.000062%); highest among the groups gnomAD compares: Non-Finnish European, 0.000085%; no homozygotes.

Submission:

Labcorp Genetics (formerly Invitae), Labcorp
Classification: Uncertain significance. Last evaluated: 2025-10-10. Review status: criteria provided, single submitter. Criteria: Invitae Variant Classification Sherloc (09022015). Collection method: clinical testing. Allele origin: germline.
Comment: This sequence change replaces serine, which is neutral and polar, with glycine, which is neutral and non-polar, at codon 1707 of the ARID1A protein (p.Ser1707Gly). This variant is not present in population databases (gnomAD no frequency). This variant has not been reported in the literature in individuals affected with ARID1A-related conditions. Invitae Evidence Modeling of protein sequence and biophysical properties (such as structural, functional, and spatial information, amino acid conservation, physicochemical variation, residue mobility, and thermodynamic stability) indicates that this missense variant is not expected to disrupt ARID1A protein function with a negative predictive value of 80%. In summary, the available evidence is currently insufficient to determine the role of this variant in disease. Therefore, it has been classified as a Variant of Uncertain Significance.

NM_006015.6(ARID1A):c.5119A>G (p.Ser1707Gly)

Gene: ARID1A (AT-rich interaction domain 1A; plus strand). Cytogenetic location: 1p36.11.
Variant type: single nucleotide variant.
Coding change: c.5119A>G on transcript NM_006015.6 (MANE Select); coding-DNA position 5119, A replaced by G.
Protein change: p.Ser1707Gly; replaces serine 1707 with glycine.
Molecular consequence: missense variant.
Genome position (GRCh38, 1-based): chr1:26,775,702, A>G. VCF-style: chr1-26775702-A-G. GRCh37 (hg19) VCF-style: chr1-27102193-A-G.
Other names: c.4468A>G, p.Ser1490Gly (NM_139135.4); short protein forms S1490G, S1707G.
Identifiers: ClinVar variation 4759714 (VCV004759714.1).
Genomic context (GRCh38, chr1:26,775,702, plus strand): 5'-GCATTAGATACCATCAACATCCTGCTGTATGATGACAACAGCATCATGACCTTCAACCTC[A>G]GTCAGGTGAGTATCAGTGCCTGGGGAAGATTGAGAGGGTTTGGGATCTTCTTAGTGTAGA-3'
Protein context (NP_006006.3, residues 1697-1717): DDNSIMTFNL[Ser1707Gly]QLPGLLELLV